The following is an entry in ClinVar:

NM_001267550.2(TTN):c.70491del (p.Gly23498fs)

Genes: TTN-AS1 (TTN antisense RNA 1; plus strand), TTN (titin; minus strand), LOC126806422 (BRD4-independent group 4 enhancer GRCh37_chr2:179440205-179441404; plus strand). Cytogenetic location: 2q31.2.
Variant type: Deletion.
Coding change: c.70491del on transcript NM_001267550.2 (MANE Select); coding-DNA position 70491, one base deleted (C; older notation c.70491delC).
Protein change: p.Gly23498fs; shifts the reading frame from glycine 23498.
Molecular consequence: frameshift variant.
Genome position (GRCh38, 1-based): chr2:178,575,641, G deleted on the plus strand (C on the coding strand, the reverse complement: TTN is on the minus strand); the first of 2 consecutive G bases (chr2:178,575,641-178,575,642); deleting either gives the same sequence. VCF-style (leftmost placement, unchanged base first): chr2-178575640-CG-C. GRCh37 (hg19) VCF-style: chr2-179440367-CG-C.
Other names: c.65568del, p.Gly21857fs (NM_001256850.1); c.43296del, p.Gly14433fs (NM_003319.4); c.62787del, p.Gly20930fs (NM_133378.4); c.43671del, p.Gly14558fs (NM_133432.3); c.43872del, p.Gly14625fs (NM_133437.4); short protein forms G14433fs, G14558fs, G14625fs, G20930fs, G21857fs, G23498fs.
Identifiers: ClinVar variation 1068172 (VCV001068172.9), dbSNP rs2154172422, ClinGen allele CA2499215365.

ClinVar aggregate classification (germline): Likely pathogenic (1 of 4 stars; one submission).

Conditions:
Dilated cardiomyopathy 1G (CMD1G). Identifiers: Orphanet 154, MedGen C1858763, MONDO:0011400, OMIM 604145.
Autosomal recessive limb-girdle muscular dystrophy type 2J (LGMDR10). Also called: Limb-girdle muscular dystrophy, type 2J; MUSCULAR DYSTROPHY, LIMB-GIRDLE, AUTOSOMAL RECESSIVE 10. Identifiers: Orphanet 140922, MedGen C1837342, MONDO:0012127, OMIM 608807.

Submission:

Labcorp Genetics (formerly Invitae), Labcorp
Classification: Likely pathogenic for Dilated cardiomyopathy 1G; Autosomal recessive limb-girdle muscular dystrophy type 2J. Last evaluated: 2024-12-10. Review status: criteria provided, single submitter. Criteria: Invitae Variant Classification Sherloc (09022015). Collection method: clinical testing. Allele origin: germline.
Comment: This sequence change creates a premature translational stop signal (p.Gly23498Alafs*12) in the TTN gene. While this is not anticipated to result in nonsense mediated decay, it is expected to create a truncated TTN protein. This variant is not present in population databases (gnomAD no frequency). This variant has not been reported in the literature in individuals affected with TTN-related conditions. ClinVar contains an entry for this variant (Variation ID: 1068172). This variant is located in the A band of TTN (PMID: 25589632). Truncating variants in this region are significantly overrepresented in patients affected with dilated cardiomyopathy (PMID: 25589632). Truncating variants in this region have also been reported in individuals affected with autosomal recessive centronuclear myopathy (PMID: 23975875). In summary, the currently available evidence indicates that the variant is pathogenic, but additional data are needed to prove that conclusively. Therefore, this variant has been classified as Likely Pathogenic.

Literature cited by the submitters: PubMed 25589632; PubMed 23975875.